The following is an entry in ClinVar:

NM_031449.4(ZMIZ2):c.162C>T (p.Ser54=)

Gene: ZMIZ2 (zinc finger MIZ-type containing 2; plus strand). Cytogenetic location: 7p13.
Variant type: single nucleotide variant.
Coding change: c.162C>T on transcript NM_031449.4 (MANE Select); coding-DNA position 162, C replaced by T.
Protein change: p.Ser54=; no amino-acid change (serine 54 retained).
Molecular consequence: synonymous variant.
Genome position (GRCh38, 1-based): chr7:44,756,536, C>T. VCF-style: chr7-44756536-C-T. GRCh37 (hg19) VCF-style: chr7-44796135-C-T.
Other names: c.162C>T, p.Ser54= (NM_001300959.2, NM_174929.2).
Identifiers: ClinVar variation 2657437 (VCV002657437.24), dbSNP rs2485166631, ClinGen allele CA454617925.
Genomic context (GRCh38, chr7:44,756,536, plus strand): 5'-GCCGGCTGGATCGCTGTCTGTGGTCACTACTGTGTGGGGAGTTGGCAACGCGACACAGAG[C>T]CAGGTAAGCACCCACTGGTGCCCCACCCCCGAGCAGACAGAGCCTCCCAGCACTTGGCAG-3'
Protein context (NP_113637.3, residues 44-64): TVWGVGNATQ[Ser54=]QVLGNPMGPA

ClinVar aggregate classification (germline): Likely benign (1 of 4 stars; one submission).

Allele frequency attached by ClinVar (database versions not stated): gnomAD exomes below 0.00001.
gnomAD v4.1: 1 of 1,613,942 alleles (0.000062%); highest among the groups gnomAD compares: Non-Finnish European, 0.000085%; no homozygotes.

Submission:

CeGaT Center for Human Genetics Tuebingen
Classification: Likely benign. Last evaluated: 2022-11-01. Review status: criteria provided, single submitter. Criteria: CeGaT Center For Human Genetics Tuebingen Variant Classification Criteria Version 2. Collection method: clinical testing. Allele origin: germline. Affected: yes. Observed: 1 variant allele.
Comment: ZMIZ2: PM2:Supporting, BP4, BP7